The following is an entry in ClinVar:

NM_021224.6(ZNF462):c.5840_5841del (p.Gln1947fs)

Gene: ZNF462 (zinc finger protein 462; plus strand). Cytogenetic location: 9q31.2.
Variant type: Deletion.
Coding change: c.5840_5841del on transcript NM_021224.6 (MANE Select); coding-DNA positions 5840 to 5841, 2 bases deleted (AA; older notation c.5840_5841delAA).
Protein change: p.Gln1947fs; shifts the reading frame from glutamine 1947.
Molecular consequence: frameshift variant. On other transcripts: intron variant (1).
Genome position (GRCh38, 1-based): chr9:106,929,752-106,929,753, AA deleted. VCF-style (leftmost placement, unchanged base first): chr9-106929751-CAA-C. GRCh37 (hg19) VCF-style: chr9-109692032-CAA-C.
Other names: c.3253-773_3253-772del (NM_001347997.2); short protein forms Q1947fs.
Identifiers: ClinVar variation 4055816 (VCV004055816.2).
Genomic context (GRCh38, chr9:106,929,751, plus strand): 5'-AGGAGGAAACAGCTTTTGAGCAAGCAGAAATATGCAGATGGTGCTTTTGCAGATTTCAAA[CAA>C]GAGAGGGTAAGGATATGTTTTGATTTCCCTTCCCCCAGGAGGCCTCTCATCACTGGTGCC-3'

ClinVar aggregate classification (germline): Pathogenic/Likely pathogenic. Review status: criteria provided, multiple submitters, no conflicts (2 of 4 stars). 2 submissions from 2 submitters: Pathogenic (1); Likely pathogenic (1). Last evaluated 2025-01-06.

Conditions:
ZNF462-related disorder. Also called: ZNF462-related condition; ZNF462 related disease.

Submissions (2):

GeneDx
Classification: Pathogenic. Last evaluated: 2025-01-06. Review status: criteria provided, single submitter. Criteria: GeneDx Variant Classification Process June 2021. Collection method: clinical testing. Allele origin: germline. Affected: yes.
Comment: Frameshift variant predicted to result in protein truncation or nonsense mediated decay in a gene for which loss of function is a known mechanism of disease; Not observed at significant frequency in large population cohorts (gnomAD); Has not been previously published as pathogenic or benign to our knowledge

Blueprint Genetics
Classification: Likely pathogenic for ZNF462-related disorders. Last evaluated: 2020-01-17. Review status: criteria provided, single submitter. Criteria: ACMG Guidelines, 2015. Collection method: clinical testing. Allele origin: germline. Affected: yes. Observed: 1 variant allele.